The following is an entry in ClinVar:

ClinVar aggregate classification (germline): Pathogenic (1 of 4 stars; one submission).

Submission:

Labcorp Genetics (formerly Invitae), Labcorp
Classification: Pathogenic. Last evaluated: 2024-01-22. Review status: criteria provided, single submitter. Criteria: Invitae Variant Classification Sherloc (09022015). Collection method: clinical testing. Allele origin: germline.
Comment: This sequence change creates a premature translational stop signal (p.Ala584Leufs*15) in the CENPJ gene. It is expected to result in an absent or disrupted protein product. Loss-of-function variants in CENPJ are known to be pathogenic (PMID: 15793586, 16900296, 20522431). This variant is present in population databases (rs755299634, gnomAD 0.02%). This variant has not been reported in the literature in individuals affected with CENPJ-related conditions. ClinVar contains an entry for this variant (Variation ID: 1404326). For these reasons, this variant has been classified as Pathogenic.

Literature cited by the submitters: PubMed 15793586; PubMed 16900296; PubMed 20522431.

NM_018451.5(CPAP):c.1749del (p.Ala584fs)

Gene: CPAP (centrosome assembly and centriole elongation protein; minus strand). Cytogenetic location: 13q12.13.
Variant type: Deletion.
Coding change: c.1749del on transcript NM_018451.5 (MANE Select); coding-DNA position 1749, one base deleted (A; older notation c.1749delA).
Protein change: p.Ala584fs; shifts the reading frame from alanine 584.
Molecular consequence: frameshift variant. On other transcripts: non-coding transcript variant (2).
Genome position (GRCh38, 1-based): chr13:24,906,289, T deleted on the plus strand (A on the coding strand, the reverse complement: CPAP is on the minus strand); the first of 2 consecutive T bases (chr13:24,906,289-24,906,290); deleting either gives the same sequence. VCF-style (leftmost placement, unchanged base first): chr13-24906288-CT-C. GRCh37 (hg19) VCF-style: chr13-25480426-CT-C.
Other names: short protein forms A584fs.
Identifiers: ClinVar variation 1404326 (VCV001404326.6), dbSNP rs755299634, ClinGen allele CA6919704.